The following is an entry in ClinVar:

NM_017763.6(RNF43):c.344C>A (p.Ala115Asp)

Gene: RNF43 (ring finger protein 43; minus strand). Cytogenetic location: 17q22.
Variant type: single nucleotide variant.
Coding change: c.344C>A on transcript NM_017763.6 (MANE Select); coding-DNA position 344, C replaced by A.
Protein change: p.Ala115Asp; replaces alanine 115 with aspartic acid.
Molecular consequence: missense variant.
Genome position (GRCh38, 1-based): chr17:58,370,942, G>T on the plus strand (C>A on the coding strand, the complement: RNF43 is on the minus strand). VCF-style: chr17-58370942-G-T. GRCh37 (hg19) VCF-style: chr17-56448303-G-T.
Other names: c.344C>A, p.Ala115Asp (NM_001305544.3); c.-38C>A (NM_001305545.2); short protein forms A115D.
Identifiers: ClinVar variation 3368862 (VCV003368862.2).
Genomic context (GRCh38, chr17:58,370,942, plus strand): 5'-GGTGTGTGTAGGGCGAAGTGTGAGTCTACCTTGCTAGCCAGTGACAGGCAGGGGCGGGGG[G>T]CCCGTCGAGGACTCTCCAGCTTGACGATGCTGATGAATCCAGGCTCCAGATTGTCGTCAT-3'
Protein context (NP_060233.3, residues 105-125): SIVKLESPRR[Ala115Asp]PRPCLSLASK

ClinVar aggregate classification (germline): Uncertain significance. Review status: criteria provided, multiple submitters, no conflicts (2 of 4 stars). 2 submissions from 2 submitters: Uncertain significance (2). Last evaluated 2024-12-14.

gnomAD v4.1: 7 of 1,608,458 alleles (0.00044%); highest among the groups gnomAD compares: Non-Finnish European, 0.00059%; no homozygotes.

Submissions (2):

Ambry Genetics
Classification: Uncertain significance. Last evaluated: 2024-12-14. Review status: criteria provided, single submitter. Criteria: Ambry Variant Classification Scheme 2023. Collection method: clinical testing. Allele origin: germline.
Comment: The p.A115D variant (also known as c.344C>A), located in coding exon 2 of the RNF43 gene, results from a C to A substitution at nucleotide position 344. The alanine at codon 115 is replaced by aspartic acid, an amino acid with dissimilar properties. This amino acid position is conserved. In addition, this alteration is predicted to be tolerated by in silico analysis. Based on the available evidence, the clinical significance of this variant remains unclear.

GeneDx
Classification: Uncertain significance. Last evaluated: 2024-02-05. Review status: criteria provided, single submitter. Criteria: GeneDx Variant Classification Process June 2021. Collection method: clinical testing. Allele origin: germline. Affected: yes.
Comment: Not observed at significant frequency in large population cohorts (gnomAD); In silico analysis supports that this missense variant does not alter protein structure/function; Has not been previously published as pathogenic or benign to our knowledge; Variants in candidate genes are classified as variants of uncertain significance in accordance with ACMG guidelines (PMID: 25741868)